The following is an entry in ClinVar:

ClinVar aggregate classification (germline): Uncertain significance (1 of 4 stars; one submission).

Submission:

Labcorp Genetics (formerly Invitae), Labcorp
Classification: Uncertain significance. Last evaluated: 2022-12-28. Review status: criteria provided, single submitter. Criteria: Invitae Variant Classification Sherloc (09022015). Collection method: clinical testing. Allele origin: germline.
Comment: Experimental studies and prediction algorithms are not available or were not evaluated, and the functional significance of this variant is currently unknown. In summary, the available evidence is currently insufficient to determine the role of this variant in disease. Therefore, it has been classified as a Variant of Uncertain Significance. This variant has not been reported in the literature in individuals affected with PCGF2-related conditions. This variant is present in population databases (no rsID available, gnomAD 0.006%). This variant, c.361_363del, results in the deletion of 1 amino acid(s) of the PCGF2 protein (p.Glu121del), but otherwise preserves the integrity of the reading frame.

NM_007144.3(PCGF2):c.361_363del (p.Glu121del)

Gene: PCGF2 (polycomb group ring finger 2; minus strand). Cytogenetic location: 17q12.
Variant type: Deletion.
Coding change: c.361_363del on transcript NM_007144.3 (MANE Select); coding-DNA positions 361 to 363, 3 bases deleted (GAG; older notation c.361_363delGAG).
Protein change: p.Glu121del; deletes glutamic acid 121.
Molecular consequence: inframe deletion.
Genome position (GRCh38, 1-based): chr17:38,738,815-38,738,817, CTC deleted on the plus strand (GAG on the coding strand, the reverse complement: PCGF2 is on the minus strand); deleting any 3 consecutive bases within chr17:38,738,815-38,738,819 gives the same sequence; the c. name uses the placement nearest the transcript's 3' end. VCF-style (leftmost placement, unchanged base first): chr17-38738814-TCTC-T. GRCh37 (hg19) VCF-style: chr17-36895067-TCTC-T.
Other names: c.361_363del, p.Glu121del (NM_001369614.1, NM_001369615.1); short protein forms E121del.
Identifiers: ClinVar variation 1906612 (VCV001906612.5), dbSNP rs1449112873, ClinGen allele CA626208191.